The following is an entry in ClinVar:

ClinVar aggregate classification (germline): Conflicting classifications of pathogenicity. Review status: criteria provided, conflicting classifications (1 of 4 stars). 4 submissions from 4 submitters: Uncertain significance (3); Benign (1). Last evaluated 2026-04-21.

Conditions:
Primary ciliary dyskinesia 7. Also called: CILIARY DYSKINESIA, PRIMARY, 7, WITH OR WITHOUT SITUS INVERSUS. Identifiers: Orphanet 244, MedGen C2678473, MONDO:0012748, OMIM 611884.
DNAH11-related disorder. Also called: DNAH11-related condition.
Primary ciliary dyskinesia. Also called: Ciliary dyskinesia. Identifiers: Orphanet 244, MedGen C0008780, MONDO:0016575, HP:0012265.

Allele frequency attached by ClinVar (database versions not stated): gnomAD 0.00001; TOPMed 0.00002; gnomAD exomes 0.00003; ExAC 0.00005; ESP Exome Variant Server 0.00008.
gnomAD v4.1: 102 of 1,591,716 alleles (0.0064%); highest among the groups gnomAD compares: Non-Finnish European, 0.0083%; no homozygotes.

Submissions (4):

PreventionGenetics, part of Exact Sciences
Classification: Uncertain significance for DNAH11-related condition. Last evaluated: 2026-04-21. Review status: criteria provided, single submitter. Criteria: ACMG Guidelines, 2015. Collection method: clinical testing. Allele origin: germline.
Comment: The DNAH11 c.346C>G variant is predicted to result in the amino acid substitution p.Gln116Glu. To our knowledge, this variant has not been reported in the literature. This variant is reported in 0.0084% of alleles in individuals of African descent in gnomAD. At this time, the clinical significance of this variant is uncertain due to the absence of conclusive functional and genetic evidence.

Labcorp Genetics (formerly Invitae), Labcorp
Classification: Benign for Primary ciliary dyskinesia. Last evaluated: 2025-10-07. Review status: criteria provided, single submitter. Criteria: Invitae Variant Classification Sherloc (09022015). Collection method: clinical testing. Allele origin: germline.

Ambry Genetics
Classification: Uncertain significance for Primary ciliary dyskinesia. Last evaluated: 2021-06-25. Review status: criteria provided, single submitter. Criteria: Ambry Variant Classification Scheme 2023. Collection method: clinical testing. Allele origin: germline.
Comment: The p.Q116E variant (also known as c.346C>G), located in coding exon 1 of the DNAH11 gene, results from a C to G substitution at nucleotide position 346. The glutamine at codon 116 is replaced by glutamic acid, an amino acid with highly similar properties. This amino acid position is conserved. In addition, this alteration is predicted to be tolerated by in silico analysis. Since supporting evidence is limited at this time, the clinical significance of this alteration remains unclear.

Illumina Laboratory Services, Illumina
Classification: Uncertain significance for Primary ciliary dyskinesia 7. Last evaluated: 2018-01-13. Review status: criteria provided, single submitter. Criteria: ICSL Variant Classification Criteria 13 December 2019. Collection method: clinical testing. Allele origin: germline.

NM_001277115.2(DNAH11):c.346C>G (p.Gln116Glu)

Gene: DNAH11 (dynein axonemal heavy chain 11; plus strand). Cytogenetic location: 7p15.3.
Variant type: single nucleotide variant.
Coding change: c.346C>G on transcript NM_001277115.2 (MANE Select); coding-DNA position 346, C replaced by G.
Protein change: p.Gln116Glu; replaces glutamine 116 with glutamic acid.
Molecular consequence: missense variant.
Genome position (GRCh38, 1-based): chr7:21,543,591, C>G. VCF-style: chr7-21543591-C-G. GRCh37 (hg19) VCF-style: chr7-21583209-C-G.
Other names: short protein forms Q116E.
Identifiers: ClinVar variation 911969 (VCV000911969.10), dbSNP rs374802008, ClinGen allele CA4178654.